The following is an entry in ClinVar:

ClinVar aggregate classification (germline): Conflicting classifications of pathogenicity. Review status: criteria provided, conflicting classifications (1 of 4 stars). 2 submissions from 2 submitters: Uncertain significance (1); Likely benign (1). Last evaluated 2025-10-21.

Allele frequency attached by ClinVar (database versions not stated): TOPMed 0.00001; ExAC 0.00002; gnomAD 0.00002.
gnomAD v4.1: 4 of 1,612,598 alleles (0.00025%); highest among the groups gnomAD compares: African/African-American, 0.0053%; no homozygotes.

Submissions (2):

Labcorp Genetics (formerly Invitae), Labcorp
Classification: Uncertain significance. Last evaluated: 2025-10-21. Review status: criteria provided, single submitter. Criteria: Invitae Variant Classification Sherloc (09022015). Collection method: clinical testing. Allele origin: germline.
Comment: This sequence change replaces valine, which is neutral and non-polar, with alanine, which is neutral and non-polar, at codon 513 of the ABCA4 protein (p.Val513Ala). This variant is present in population databases (rs750393418, gnomAD 0.02%). This missense change has been observed in individual(s) with Stargardt disease (PMID: 25066811, 35120629; internal data). ClinVar contains an entry for this variant (Variation ID: 1007620). Invitae Evidence Modeling of protein sequence and biophysical properties (such as structural, functional, and spatial information, amino acid conservation, physicochemical variation, residue mobility, and thermodynamic stability) indicates that this missense variant is not expected to disrupt ABCA4 protein function with a negative predictive value of 95%. In summary, the available evidence is currently insufficient to determine the role of this variant in disease. Therefore, it has been classified as a Variant of Uncertain Significance.

GeneDx
Classification: Likely benign. Last evaluated: 2015-03-03. Review status: criteria provided, single submitter. Criteria: GeneDx Variant Classification Process June 2021. Collection method: clinical testing. Allele origin: germline. Affected: yes.

Literature cited by the submitters: PubMed 25066811 (cited by Labcorp Genetics (formerly Invitae), Labcorp); PubMed 35120629 (cited by Labcorp Genetics (formerly Invitae), Labcorp).

NM_000350.3(ABCA4):c.1538T>C (p.Val513Ala)

Gene: ABCA4 (ATP binding cassette subfamily A member 4; minus strand). Cytogenetic location: 1p22.1.
Variant type: single nucleotide variant.
Coding change: c.1538T>C on transcript NM_000350.3 (MANE Select); coding-DNA position 1538, T replaced by C.
Protein change: p.Val513Ala; replaces valine 513 with alanine.
Molecular consequence: missense variant.
Genome position (GRCh38, 1-based): chr1:94,077,706, A>G on the plus strand (T>C on the coding strand, the complement: ABCA4 is on the minus strand). VCF-style: chr1-94077706-A-G. GRCh37 (hg19) VCF-style: chr1-94543262-A-G.
Other names: c.1538T>C, p.Val513Ala (NM_001425324.1); short protein forms V513A.
Identifiers: ClinVar variation 1007620 (VCV001007620.8), dbSNP rs750393418, ClinGen allele CA958499.